The following is an entry in ClinVar:

NM_001009944.3(PKD1):c.8750C>T (p.Ala2917Val)

Gene: PKD1 (polycystin 1, transient receptor potential channel interacting; minus strand). Cytogenetic location: 16p13.3.
Variant type: single nucleotide variant.
Coding change: c.8750C>T on transcript NM_001009944.3 (MANE Select); coding-DNA position 8750, C replaced by T.
Protein change: p.Ala2917Val; replaces alanine 2917 with valine.
Molecular consequence: missense variant.
Genome position (GRCh38, 1-based): chr16:2,103,307, G>A on the plus strand (C>T on the coding strand, the complement: PKD1 is on the minus strand). VCF-style: chr16-2103307-G-A. GRCh37 (hg19) VCF-style: chr16-2153308-G-A.
Other names: c.8750C>T, p.Ala2917Val (NM_000296.4); c.8750C>T (NM_000296.3); short protein forms A2917V.
Identifiers: ClinVar variation 811767 (VCV000811767.13), dbSNP rs550768338, ClinGen allele CA7830397.

ClinVar aggregate classification (germline): Conflicting classifications of pathogenicity. Review status: criteria provided, conflicting classifications (1 of 4 stars). 6 submissions from 6 submitters: Uncertain significance (1); Likely benign (5). Last evaluated 2025-02-10.

Conditions:
Inborn genetic diseases. Identifiers: MedGen C0950123, MeSH D030342.
PKD1-related disorder. Also called: PKD1-related condition.
Polycystic kidney disease, adult type (PKD1). Also called: Polycystic Kidney Disease 1, Autosomal Dominant; Polycystic kidney disease 1; Polycystic kidney disease 1, severe; POLYCYSTIC KIDNEY DISEASE, ADULT, TYPE I; Polycystic Kidney, Autosomal Dominant; POLYCYSTIC KIDNEY DISEASE 1 WITH OR WITHOUT POLYCYSTIC LIVER DISEASE. Identifiers: MedGen C3149841, MONDO:0008263, OMIM 173900.

Allele frequency attached by ClinVar (database versions not stated): 1000 Genomes Project 0.00060; gnomAD exomes 0.00012 and 0.00043; gnomAD 0.00015 and 0.00016; TOPMed 0.00028; ExAC 0.00036; 1000 Genomes Project 30x 0.00047.
gnomAD v4.1: 194 of 1,608,738 alleles (0.012%); highest among the groups gnomAD compares: East Asian, 0.37%; no homozygotes.

Submissions (6):

PreventionGenetics, part of Exact Sciences
Classification: Likely benign for PKD1-related condition. Last evaluated: 2025-02-10. Review status: criteria provided, single submitter. Criteria: ACMG Guidelines, 2015. Collection method: clinical testing. Allele origin: germline.
Comment: This variant is classified as likely benign based on ACMG/AMP sequence variant interpretation guidelines (Richards et al. 2015 PMID: 25741868, with internal and published modifications).

Blueprint Genetics
Classification: Likely benign. Last evaluated: 2024-09-10. Review status: criteria provided, single submitter. Criteria: ACMG Guidelines, 2015. Collection method: clinical testing. Allele origin: germline.

Department of Pathology and Laboratory Medicine, Sinai Health System
Classification: Likely benign for Polycystic kidney disease, adult type. Last evaluated: 2024-07-26. Review status: criteria provided, single submitter. Criteria: ACMG Guidelines, 2015. Collection method: clinical testing. Allele origin: germline.

Ambry Genetics
Classification: Likely benign for Inborn genetic diseases. Last evaluated: 2024-03-23. Review status: criteria provided, single submitter. Criteria: Ambry Variant Classification Scheme 2023. Collection method: clinical testing. Allele origin: germline.

GeneDx
Classification: Uncertain significance. Last evaluated: 2023-12-28. Review status: criteria provided, single submitter. Criteria: GeneDx Variant Classification Process June 2021. Collection method: clinical testing. Allele origin: germline. Affected: yes.
Comment: Observed in a patient with familial intracranial aneurysm without features of ADPKD in published literature (PMID: 27567292); Reported as a likely benign variant in an individual with ADPKD in published literature (PMID: 30333007); In silico analysis supports that this missense variant does not alter protein structure/function; This variant is associated with the following publications: (PMID: 34739738, 30333007, 27567292)

ARUP Laboratories, Molecular Genetics and Genomics, ARUP Laboratories
Classification: Likely benign for Polycystic kidney disease, adult type. Last evaluated: 2018-07-11. Review status: criteria provided, single submitter. Criteria: ARUP Molecular Germline Variant Investigation Process. Collection method: clinical testing. Allele origin: germline.

Literature cited by the submitters: PubMed 27567292 (cited by Department of Pathology and Laboratory Medicine, Sinai Health System); PubMed 30333007 (cited by Department of Pathology and Laboratory Medicine, Sinai Health System).